The following is an entry in ClinVar:

ClinVar aggregate classification (germline): Pathogenic/Likely pathogenic. Review status: criteria provided, multiple submitters, no conflicts (2 of 4 stars). 5 submissions from 5 submitters: Pathogenic (2); Likely pathogenic (3). Last evaluated 2026-01-11.

Conditions:
Hereditary cancer-predisposing syndrome. Also called: Tumor predisposition; Hereditary neoplastic syndrome; Neoplastic Syndromes, Hereditary; Hereditary Cancer Syndrome. Identifiers: Orphanet 140162, MedGen C0027672, MeSH D009386, MONDO:0015356.
Von Hippel-Lindau syndrome (VHLS). Also called: VHL syndrome; von Hippel–Lindau syndrome; Von Hippel-Lindau. Identifiers: Orphanet 892, MedGen C0019562, MONDO:0008667, OMIM 193300. Disease mechanism: loss of function.
Chuvash polycythemia. Also called: POLYCYTHEMIA, VHL-DEPENDENT. Identifiers: Orphanet 238557, MedGen C1837915, MONDO:0009892, OMIM 263400.

Submissions (5):

3billion
Classification: Likely pathogenic for Von Hippel-Lindau syndrome. Last evaluated: 2026-01-11. Review status: criteria provided, single submitter. Criteria: ACMG Guidelines, 2015. Collection method: clinical testing. Allele origin: germline. Affected: yes.
Comment: The variant is not observed in the gnomAD v4.1.0 dataset. Predicted Consequence/Location: Missense variant In silico tool predictions suggest damaging effect of the variant on gene or gene product [REVEL: 0.96 (>=0.6, sensitivity 0.68 and specificity 0.92); 3Cnet: 0.99 (> 0.75, sensitivity 0.96 and precision 0.92)]. The same nucleotide change resulting in the same amino acid change has been previously reported as pathogenic/likely pathogenic with strong evidence (ClinVar ID: VCV000526675 /PMID: 21488287). Different missense changes at the same codon (p.Arg82Gly, p.Arg82His, p.Arg82Pro) have been reported as pathogenic/likely pathogenic with strong evidence (ClinVar ID: VCV000193118, VCV000821314, VCV001297059 /PMID: 12202531). Therefore, this variant is classified as Likely pathogenic according to the recommendation of ACMG/AMP guideline.

Labcorp Genetics (formerly Invitae), Labcorp
Classification: Pathogenic for Von Hippel-Lindau syndrome; Chuvash polycythemia. Last evaluated: 2025-07-30. Review status: criteria provided, single submitter. Criteria: Invitae Variant Classification Sherloc (09022015). Collection method: clinical testing. Allele origin: germline.
Comment: This sequence change replaces arginine, which is basic and polar, with leucine, which is neutral and non-polar, at codon 82 of the VHL protein (p.Arg82Leu). This variant is not present in population databases (gnomAD no frequency). This missense change has been observed in individual(s) with bilateral adrenal pheochromocytoma (PMID: 23327821, 23626751). In at least one individual the variant was observed to be de novo. It has also been observed to segregate with disease in related individuals. ClinVar contains an entry for this variant (Variation ID: 526675). Invitae Evidence Modeling of protein sequence and biophysical properties (such as structural, functional, and spatial information, amino acid conservation, physicochemical variation, residue mobility, and thermodynamic stability) indicates that this missense variant is expected to disrupt VHL protein function with a positive predictive value of 95%. This variant disrupts the p.Arg82 amino acid residue in VHL. Other variant(s) that disrupt this residue have been determined to be pathogenic (PMID: 10823831, 11739384, 12603429, 20447124, 26973240). This suggests that this residue is clinically significant, and that variants that disrupt this residue are likely to be disease-causing. For these reasons, this variant has been classified as Pathogenic.

Ambry Genetics
Classification: Pathogenic for Hereditary cancer-predisposing syndrome. Last evaluated: 2023-03-10. Review status: criteria provided, single submitter. Criteria: Ambry Variant Classification Scheme 2023. Collection method: clinical testing. Allele origin: germline.
Comment: The p.R82L variant (also known as c.245G>T), located in coding exon 1 of the VHL gene, results from a G to T substitution at nucleotide position 245. The arginine at codon 82 is replaced by leucine, an amino acid with dissimilar properties. This alteration has been observed in multiple individuals with VHL spectrum tumors, including a proband and two children all with bilateral pheochromocytomas and all positive for this variant (Amini Z et al. J. Pediatr. Endocrinol. Metab., 2013;26:369-72; Krauss T et al. Endocr. Relat. Cancer, 2018 09;25:783-793; Ebenazer A et al. Fam. Cancer, 2013 Sep;12:519-24; John AM et al. PLoS ONE, 2013 Apr;8:e61908; Penitenti F et al. Endocrine, 2021 Oct;74:180-187; Ambry internal data). Based on internal structural analysis, R82L is deleterious (Ambry internal data). This variant is considered to be rare based on population cohorts in the Genome Aggregation Database (gnomAD). This amino acid position is highly conserved in available vertebrate species. In addition, this alteration is predicted to be deleterious by in silico analysis. Based on the supporting evidence, this alteration is interpreted as a disease-causing mutation.

Myriad Genetics, Inc.
Classification: Likely pathogenic for Von Hippel-Lindau syndrome. Last evaluated: 2023-03-03. Review status: criteria provided, single submitter. Criteria: Myriad Autosomal Dominant, Autosomal Recessive and X-Linked Classification Criteria (2023). Collection method: clinical testing. Allele origin: unknown.
Comment: This variant is considered likely pathogenic. This variant has been reported in multiple individuals with clinical features of gene-specific disease [PMID: 23626751, 30877234, 23327821, 34036514]. This variant is expected to disrupt protein structure [Myriad internal data].

Women's Health and Genetics/Laboratory Corporation of America, LabCorp
Classification: Likely pathogenic for Von Hippel-Lindau syndrome. Last evaluated: 2021-07-08. Review status: criteria provided, single submitter. Criteria: LabCorp Variant Classification Summary - May 2015. Collection method: clinical testing. Allele origin: germline.
Comment: Variant summary: VHL c.245G>T (p.Arg82Leu) results in a non-conservative amino acid change located in the VHL disease tumor suppressor, beta/alpha domain (IPR022772) of the encoded protein sequence. Four of five in-silico tools predict a damaging effect of the variant on protein function. The variant was absent in 229092 control chromosomes. c.245G>T has been reported in the literature in the setting of bilateral pheochromocytoma in the absence of other tumors reported in patients with von Hippel-Lindau disease (example, Mary John_2013, Amini_2013) and a in report of custom multigene panel of 17 paraganglioma and pheochromocytoma (PPGL) genes (Ben Amin_2019). The variant segregated with bilateral pheochromocytoma in one family (Mary John_2013) and originated de-novo in the other (Amini_2013). These data indicate that the variant is likely to be associated with disease. To our knowledge, no variant specific experimental evidence demonstrating an impact on protein function has been reported. Although several reports describing an impact of a different missense variant located at this codon, namely p.Arg82Pro as impacting VHL function have been published, supporting the relevance of this Arginine residue. One clinical diagnostic laboratory has submitted clinical-significance assessments for this variant to ClinVar after 2014 and classified the variant as pathogenic citing overlapping clinical evidence utilized in the context of this evaluation. Based on the evidence outlined above, the variant was classified as likely pathogenic.

Literature cited by the submitters: PubMed 21488287 (cited by 3billion); PubMed 12202531 (cited by 3billion); PubMed 23327821 (cited by 4 submitters); PubMed 23626751 (cited by 4 submitters); PubMed 10823831 (cited by Labcorp Genetics (formerly Invitae), Labcorp); PubMed 11739384 (cited by Labcorp Genetics (formerly Invitae), Labcorp); PubMed 12603429 (cited by Labcorp Genetics (formerly Invitae), Labcorp); PubMed 20447124 (cited by Labcorp Genetics (formerly Invitae), Labcorp); PubMed 26973240 (cited by Labcorp Genetics (formerly Invitae), Labcorp); PubMed 19215943 (cited by Ambry Genetics); PubMed 20151405 (cited by Ambry Genetics); PubMed 23397066 (cited by Ambry Genetics); PubMed 24977658 (cited by Ambry Genetics); PubMed 28973655 (cited by Ambry Genetics); PubMed 29748190 (cited by Ambry Genetics); PubMed 34036514 (cited by Ambry Genetics and Myriad Genetics, Inc.); PubMed 30877234 (cited by Myriad Genetics, Inc. and Women's Health and Genetics/Laboratory Corporation of America, LabCorp).

NM_000551.4(VHL):c.245G>T (p.Arg82Leu)

Gene: VHL (von Hippel-Lindau tumor suppressor; plus strand). Cytogenetic location: 3p25.3.
Variant type: single nucleotide variant.
Coding change: c.245G>T on transcript NM_000551.4 (MANE Select); coding-DNA position 245, G replaced by T.
Protein change: p.Arg82Leu; replaces arginine 82 with leucine.
Molecular consequence: missense variant.
Genome position (GRCh38, 1-based): chr3:10,142,092, G>T. VCF-style: chr3-10142092-G-T. GRCh37 (hg19) VCF-style: chr3-10183776-G-T.
Other names: c.245G>T, p.Arg82Leu (NM_001354723.2, NM_198156.3); short protein forms R82L.
Identifiers: ClinVar variation 526675 (VCV000526675.16), dbSNP rs794726890, ClinGen allele CA351750555.